The following is an entry in ClinVar:

ClinVar aggregate classification (germline): Uncertain significance (0 of 4 stars; one submission).

Conditions:
KMT2D-related disorder. Also called: KMT2D-Related Disorders.

Submission:

PreventionGenetics, part of Exact Sciences
Classification: Uncertain significance for KMT2D-related condition. Last evaluated: 2024-07-15. Review status: no assertion criteria provided. Collection method: clinical testing. Allele origin: germline.
Comment: The KMT2D c.3501G>T variant is predicted to result in the amino acid substitution p.Glu1167Asp. To our knowledge, this variant has not been reported in the literature or in a large population database, indicating this variant is rare. At this time, the clinical significance of this variant is uncertain due to the absence of conclusive functional and genetic evidence.

NM_003482.4(KMT2D):c.3501G>T (p.Glu1167Asp)

Genes: KMT2D (lysine methyltransferase 2D; minus strand), LOC126861520 (CDK7 strongly-dependent group 2 enhancer GRCh37_chr12:49442744-49443943; plus strand). Cytogenetic location: 12q13.12.
Variant type: single nucleotide variant.
Coding change: c.3501G>T on transcript NM_003482.4 (MANE Select); coding-DNA position 3501, G replaced by T.
Protein change: p.Glu1167Asp; replaces glutamic acid 1167 with aspartic acid.
Molecular consequence: missense variant.
Genome position (GRCh38, 1-based): chr12:49,050,087, C>A on the plus strand (G>T on the coding strand, the complement: KMT2D is on the minus strand). VCF-style: chr12-49050087-C-A. GRCh37 (hg19) VCF-style: chr12-49443870-C-A.
Other names: short protein forms E1167D.
Identifiers: ClinVar variation 3347747 (VCV003347747.1).
Genomic context (GRCh38, chr12:49,050,087, plus strand): 5'-CTCTTCCTGTTCTTCACATGGTGAGCCCTGCCCTGCTGTCTGCTTGCATTCGGGGTAGAC[C>A]TCCATAGGGGTCACAGGGGCCAGCTCCTCGGGGTCCAGGAGCACAGGGGAGCCTTTAAGT-3'
Protein context (NP_003473.3, residues 1157-1177): PEELAPVTPM[Glu1167Asp]VYPECKQTAG